The following is an entry in ClinVar:

ClinVar aggregate classification (germline): Likely benign (1 of 4 stars; one submission).

Allele frequency attached by ClinVar (database versions not stated): gnomAD exomes 0.00008; gnomAD 0.00010; TOPMed 0.00011; ExAC 0.00017.

Submission:

CeGaT Center for Human Genetics Tuebingen
Classification: Likely benign. Last evaluated: 2023-02-01. Review status: criteria provided, single submitter. Criteria: CeGaT Center For Human Genetics Tuebingen Variant Classification Criteria Version 2. Collection method: clinical testing. Allele origin: germline. Affected: yes. Observed: 1 variant allele.
Comment: MUC6: BP4, BP7

NM_005961.3(MUC6):c.204C>T (p.Asn68=)

Gene: MUC6 (mucin 6, oligomeric mucus/gel-forming (gene/pseudogene); minus strand). Cytogenetic location: 11p15.5.
Variant type: single nucleotide variant.
Coding change: c.204C>T on transcript NM_005961.3 (MANE Select); coding-DNA position 204, C replaced by T.
Protein change: p.Asn68=; no amino-acid change (asparagine 68 retained).
Molecular consequence: synonymous variant.
Genome position (GRCh38, 1-based): chr11:1,031,965, G>A on the plus strand (C>T on the coding strand, the complement: MUC6 is on the minus strand). VCF-style: chr11-1031965-G-A. GRCh37 (hg19) VCF-style: chr11-1031965-G-A.
Identifiers: ClinVar variation 2641114 (VCV002641114.24), dbSNP rs758601242, ClinGen allele CA5797801.